The following is an entry in ClinVar:

ClinVar aggregate classification (germline): not provided (0 of 4 stars; one submission).

Conditions:
Small for gestational age. Also called: Low birth weight. Identifiers: MedGen C0235991, HP:0001518.

Submission:

Institute of Molecular and Cell Biology, University of Tartu
No classification provided. Condition: Small for gestational age. Review status: no classification provided. Collection method: case-control. Allele origin: unknown. Affected: yes. Study: Kasak2014.
Comment: The study aimed to determine the contribution of copy number variants in the genetic etiology of normal and complicated pregnancies. The samples represented (i) maternal blood DNA drawn from healthy pregnant women during 1st or 2nd trimester and (ii) maternal and paternal blood DNA drawn at term pregnancy cases representing normal and complicated gestations (severe preeclampsia, PE; gestational diabetes, GD; small-for-gestational age newborn, SGA; large-for-gestational age newborn, LGA). We performed CNV calling based on genome-wide genotyping dataset (Illumina HumanOmniExpress-24-v1 BeadChip) by applying three algorithms, QuantiSNP, GADA (Genome Alteration Detection Algorithm) and CNstream in parallel. The acquired CNV calls were merged with HD-CNV (Hotspot Detector for Copy Number Variants) program and only the CNVs predicted by at least two programs, were considered in subsequent analysis.

Literature cited by the submitters: PubMed 25666259.

NC_000016.10:g.31209548_31215370del

Gene: TRIM72 (tripartite motif containing 72; plus strand). Cytogenetic location: 16p11.2.
Variant type: Deletion.
Genome position: GRCh38: chr16:31,209,548-31,215,370. GRCh37 (hg19): chr16:31,220,869-31,226,691.
Identifiers: ClinVar variation 157363 (VCV000157363.3), ClinGen allele CA212424.